The following is an entry in ClinVar:

ClinVar aggregate classification (germline): Uncertain significance (1 of 4 stars; one submission).

Conditions:
Hajdu-Cheney syndrome (HJCYS). Also called: Acroosteolysis dominant type; ACROOSTEOLYSIS WITH OSTEOPOROSIS AND CHANGES IN SKULL AND MANDIBLE; SERPENTINE FIBULA-POLYCYSTIC KIDNEY SYNDROME. Identifiers: Orphanet 955, MedGen C0917715, MONDO:0007057, OMIM 102500.

Allele frequency attached by ClinVar (database versions not stated): ExAC 0.00001; gnomAD exomes 0.00001; TOPMed 0.00001.
gnomAD v4.1: 5 of 1,614,168 alleles (0.00031%); highest among the groups gnomAD compares: Non-Finnish European, 0.00042%; no homozygotes.

Submission:

Labcorp Genetics (formerly Invitae), Labcorp
Classification: Uncertain significance for Hajdu-Cheney syndrome. Last evaluated: 2022-04-25. Review status: criteria provided, single submitter. Criteria: Invitae Variant Classification Sherloc (09022015). Collection method: clinical testing. Allele origin: germline.
Comment: Advanced modeling of protein sequence and biophysical properties (such as structural, functional, and spatial information, amino acid conservation, physicochemical variation, residue mobility, and thermodynamic stability) performed at Invitae indicates that this missense variant is not expected to disrupt NOTCH2 protein function. In summary, the available evidence is currently insufficient to determine the role of this variant in disease. Therefore, it has been classified as a Variant of Uncertain Significance. This variant has not been reported in the literature in individuals affected with NOTCH2-related conditions. This variant is present in population databases (rs782056928, gnomAD 0.0009%). This sequence change replaces proline, which is neutral and non-polar, with threonine, which is neutral and polar, at codon 901 of the NOTCH2 protein (p.Pro901Thr).

NM_024408.4(NOTCH2):c.2701C>A (p.Pro901Thr)

Gene: NOTCH2 (notch receptor 2; minus strand). Cytogenetic location: 1p12.
Variant type: single nucleotide variant.
Coding change: c.2701C>A on transcript NM_024408.4 (MANE Select); coding-DNA position 2701, C replaced by A.
Protein change: p.Pro901Thr; replaces proline 901 with threonine.
Molecular consequence: missense variant.
Genome position (GRCh38, 1-based): chr1:119,948,465, G>T on the plus strand (C>A on the coding strand, the complement: NOTCH2 is on the minus strand). VCF-style: chr1-119948465-G-T. GRCh37 (hg19) VCF-style: chr1-120491088-G-T.
Other names: c.2701C>A, p.Pro901Thr (NM_001200001.2); short protein forms P901T.
Identifiers: ClinVar variation 2068150 (VCV002068150.4), dbSNP rs782056928, ClinGen allele CA1040221.